The following is an entry in ClinVar:

NM_004807.3(HS6ST1):c.1163C>T (p.Pro388Leu)

Gene: HS6ST1 (heparan sulfate 6-O-sulfotransferase 1; minus strand). Cytogenetic location: 2q14.3.
Variant type: single nucleotide variant.
Coding change: c.1163C>T on transcript NM_004807.3 (MANE Select); coding-DNA position 1163, C replaced by T.
Protein change: p.Pro388Leu; replaces proline 388 with leucine.
Molecular consequence: missense variant.
Genome position (GRCh38, 1-based): chr2:128,268,235, G>A on the plus strand (C>T on the coding strand, the complement: HS6ST1 is on the minus strand). VCF-style: chr2-128268235-G-A. GRCh37 (hg19) VCF-style: chr2-129025809-G-A.
Other names: short protein forms P388L.
Identifiers: ClinVar variation 3526672 (VCV003526672.4).

ClinVar aggregate classification (germline): Uncertain significance. Review status: criteria provided, multiple submitters, no conflicts (2 of 4 stars). 3 submissions from 3 submitters: Uncertain significance (3). Last evaluated 2024-10-01.

gnomAD v4.1: 98 of 1,610,592 alleles (0.0061%); highest among the groups gnomAD compares: African/African-American, 0.0094%; no homozygotes.

Submissions (3):

Ambry Genetics
Classification: Uncertain significance. Last evaluated: 2024-10-01. Review status: criteria provided, single submitter. Criteria: Ambry Variant Classification Scheme 2023. Collection method: clinical testing. Allele origin: germline.

GeneDx
Classification: Uncertain significance. Last evaluated: 2024-07-11. Review status: criteria provided, single submitter. Criteria: GeneDx Variant Classification Process June 2021. Collection method: clinical testing. Allele origin: germline. Affected: yes.
Comment: In silico analysis supports that this missense variant has a deleterious effect on protein structure/function; Has not been previously published as pathogenic or benign to our knowledge

Labcorp Genetics (formerly Invitae), Labcorp
Classification: Uncertain significance. Last evaluated: 2024-03-01. Review status: criteria provided, single submitter. Criteria: Invitae Variant Classification Sherloc (09022015). Collection method: clinical testing. Allele origin: germline.
Comment: This sequence change replaces proline, which is neutral and non-polar, with leucine, which is neutral and non-polar, at codon 388 of the HS6ST1 protein (p.Pro388Leu). This variant is present in population databases (rs372569460, gnomAD 0.01%). This variant has not been reported in the literature in individuals affected with HS6ST1-related conditions. An algorithm developed to predict the effect of missense changes on protein structure and function (PolyPhen-2) suggests that this variant is likely to be tolerated. In summary, the available evidence is currently insufficient to determine the role of this variant in disease. Therefore, it has been classified as a Variant of Uncertain Significance.